The following is an entry in ClinVar:

ClinVar aggregate classification (germline): Benign. Review status: criteria provided, multiple submitters, no conflicts (2 of 4 stars). 4 submissions from 4 submitters: Benign (4). Last evaluated 2026-02-03.

Conditions:
Renal hypomagnesemia 4. Also called: HYPOMAGNESEMIA, RENAL, NORMOCALCIURIC. Identifiers: Orphanet 34527, MedGen C2673648, MONDO:0012717, OMIM 611718.

Allele frequency attached by ClinVar (database versions not stated): ESP Exome Variant Server 0.00815; TOPMed 0.01931; ExAC 0.04232; 1000 Genomes Project 30x 0.08073; 1000 Genomes Project 0.08626.
gnomAD v4.1: 27,267 of 1,596,102 alleles (1.7%); highest among the groups gnomAD compares: East Asian, 24%; 2,482 homozygotes.

Submissions (8):

Labcorp Genetics (formerly Invitae), Labcorp
Classification: Benign. Last evaluated: 2026-02-03. Review status: criteria provided, single submitter. Criteria: Invitae Variant Classification Sherloc (09022015). Collection method: clinical testing. Allele origin: germline.

GeneDx
Classification: Benign. Last evaluated: 2020-01-28. Review status: criteria provided, single submitter. Criteria: GeneDx Variant Classification Process June 2021. Collection method: clinical testing. Allele origin: germline. Affected: yes.

Illumina Laboratory Services, Illumina
Classification: Benign for Renal hypomagnesemia 4. Last evaluated: 2018-01-13. Review status: criteria provided, single submitter. Criteria: ICSL Variant Classification Criteria 13 December 2019. Collection method: clinical testing. Allele origin: germline.
Comment: This variant was observed in the ICSL laboratory as part of a predisposition screen in an ostensibly healthy population. It had not been previously curated by ICSL or reported in the Human Gene Mutation Database (HGMD: prior to June 1st, 2018), and was therefore a candidate for classification through an automated scoring system. Utilizing variant allele frequency, disease prevalence and penetrance estimates, and inheritance mode, an automated score was calculated to assess if this variant is too frequent to cause the disease. Based on the score and internal cut-off values, a variant classified as benign is not then subjected to further curation. The score for this variant resulted in a classification of benign for this disease.

Breakthrough Genomics
Classification: Benign. Review status: criteria provided, single submitter. Criteria: ACMG Guidelines, 2015. Collection method: not provided. Allele origin: germline. Inheritance: Autosomal recessive inheritance. Affected: yes.

Dr. Peter K. Rogan Lab, Western University
No classification provided (evidence only). Condition: Thymoma. Review status: no classification provided. Collection method: in vitro. Allele origin: not applicable. Functional consequence: retained intron. Not counted in ClinVar's aggregate classification.

Dr. Peter K. Rogan Lab, Western University
No classification provided (evidence only). Condition: Familial pancreatic carcinoma. Review status: no classification provided. Collection method: in vitro. Allele origin: not applicable. Functional consequence: retained intron. Not counted in ClinVar's aggregate classification.

Dr. Peter K. Rogan Lab, Western University
No classification provided (evidence only). Condition: Hepatocellular carcinoma. Review status: no classification provided. Collection method: in vitro. Allele origin: not applicable. Functional consequence: retained intron. Not counted in ClinVar's aggregate classification.

Dr. Peter K. Rogan Lab, Western University
No classification provided (evidence only). Condition: Hepatocellular carcinoma. Review status: no classification provided. Collection method: in vitro. Allele origin: not applicable. Functional consequence: retained intron. Not counted in ClinVar's aggregate classification.

NM_001963.6(EGF):c.1725-12C>A

Gene: EGF (epidermal growth factor; plus strand). Cytogenetic location: 4q25.
Variant type: single nucleotide variant.
Coding change: c.1725-12C>A on transcript NM_001963.6 (MANE Select); 12 bases into the intron before coding-DNA position 1725, C replaced by A.
Molecular consequence: intron variant.
Genome position (GRCh38, 1-based): chr4:109,974,691, C>A. VCF-style: chr4-109974691-C-A. GRCh37 (hg19) VCF-style: chr4-110895847-C-A.
Other names: c.1725-12C>A (NM_001178130.3); c.1599-12C>A (NM_001178131.3, NM_001357021.2).
Identifiers: ClinVar variation 347239 (VCV000347239.16), dbSNP rs11568990, ClinGen allele CA3043782.